The following is an entry in ClinVar:

ClinVar aggregate classification (germline): Likely pathogenic (1 of 4 stars; one submission).

gnomAD v4.1: 1 of 1,172,292 alleles (0.000085%); highest among the groups gnomAD compares: Non-Finnish European, 0.00012%; no homozygotes.

Submission:

GeneDx
Classification: Likely pathogenic. Last evaluated: 2025-02-28. Review status: criteria provided, single submitter. Criteria: GeneDx Variant Classification Process June 2021. Collection method: clinical testing. Allele origin: germline. Affected: yes.
Comment: Canonical splice site variant predicted to result in an in-frame loss of the adjacent exon in a gene for which loss of function is a known mechanism of disease; Not observed at significant frequency in large population cohorts (gnomAD); Has not been previously published as pathogenic or benign to our knowledge

NM_144658.4(DOCK11):c.4582-1G>A

Gene: DOCK11 (dedicator of cytokinesis 11; plus strand). Cytogenetic location: Xq24.
Variant type: single nucleotide variant.
Coding change: c.4582-1G>A on transcript NM_144658.4 (MANE Select); the canonical splice acceptor site of the intron before coding-DNA position 4582, G replaced by A.
Molecular consequence: splice acceptor variant.
Genome position (GRCh38, 1-based): chrX:118,651,963, G>A. VCF-style: chrX-118651963-G-A. GRCh37 (hg19) VCF-style: chrX-117785926-G-A.
Identifiers: ClinVar variation 4077363 (VCV004077363.1).